The following is an entry in ClinVar:

ClinVar aggregate classification (germline): Conflicting classifications of pathogenicity. Review status: criteria provided, conflicting classifications (1 of 4 stars). 4 submissions from 4 submitters: Pathogenic (1); Uncertain significance (3). Last evaluated 2023-12-12.

Conditions:
Early-infantile DEE. Also called: Ohtahara syndrome; Early infantile epileptic encephalopathy; Early infantile epileptic encephalopathy with suppression bursts. Identifiers: Orphanet 1934, MedGen C0393706, MONDO:0800491.
Inborn genetic diseases. Identifiers: MedGen C0950123, MeSH D030342.

Submissions (4):

GeneDx
Classification: Pathogenic. Last evaluated: 2023-12-12. Review status: criteria provided, single submitter. Criteria: GeneDx Variant Classification Process June 2021. Collection method: clinical testing. Allele origin: germline. Affected: yes.
Comment: Non-canonical splice site variant demonstrated to result in loss of function (PMID: 37956038); Not observed at significant frequency in large population cohorts (gnomAD); In silico analysis supports a deleterious effect on splicing; This variant is associated with the following publications: (PMID: 29408779, 37956038, 25754450)

Labcorp Genetics (formerly Invitae), Labcorp
Classification: Uncertain significance for Early-infantile DEE. Last evaluated: 2020-09-20. Review status: criteria provided, single submitter. Criteria: Invitae Variant Classification Sherloc (09022015). Collection method: clinical testing. Allele origin: germline.
Comment: In summary, the available evidence is currently insufficient to determine the role of this variant in disease. Therefore, it has been classified as a Variant of Uncertain Significance. Algorithms developed to predict the effect of sequence changes on RNA splicing suggest that this variant may disrupt the consensus splice site, but this prediction has not been confirmed by published transcriptional studies. This variant has not been reported in the literature in individuals with SCN1A-related conditions. ClinVar contains an entry for this variant (Variation ID: 206821). This variant is not present in population databases (ExAC no frequency). This sequence change falls in intron 21 of the SCN1A gene. It does not directly change the encoded amino acid sequence of the SCN1A protein.

Ambry Genetics
Classification: Uncertain significance for Inborn genetic diseases. Last evaluated: 2020-05-26. Review status: criteria provided, single submitter. Criteria: Ambry Variant Classification Scheme 2023. Collection method: clinical testing. Allele origin: germline.
Comment: The c.4285-4A>G intronic variant results from an A to G substitution 4 nucleotides upstream from coding exon 22 in the SCN1A gene. This nucleotide position is well conserved in available vertebrate species. Using the BDGP and ESEfinder splice site prediction tools, this alteration is not predicted to have any significant effect on this splice acceptor site; however, direct evidence is unavailable. Since supporting evidence is limited at this time, the clinical significance of this alteration remains unclear.

CeGaT Center for Human Genetics Tuebingen
Classification: Uncertain significance. Last evaluated: 2018-01-01. Review status: criteria provided, single submitter. Criteria: CeGaT Center For Human Genetics Tuebingen Variant Classification Criteria Version 2. Collection method: clinical testing. Allele origin: germline. Affected: yes. Observed: 1 variant allele.

Literature cited by the submitters: PubMed 25754450 (cited by Ambry Genetics).

NM_001165963.4(SCN1A):c.4285-4A>G

Genes: SCN1A (sodium voltage-gated channel alpha subunit 1; minus strand), LOC102724058 (uncharacterized LOC102724058; plus strand). Cytogenetic location: 2q24.3.
Variant type: single nucleotide variant.
Coding change: c.4285-4A>G on transcript NM_001165963.4 (MANE Select); 4 bases into the intron before coding-DNA position 4285, A replaced by G.
Molecular consequence: intron variant.
Genome position (GRCh38, 1-based): chr2:165,999,780, T>C on the plus strand (A>G on the coding strand, the complement: SCN1A is on the minus strand). VCF-style: chr2-165999780-T-C. GRCh37 (hg19) VCF-style: chr2-166856290-T-C.
Other names: c.4252-4A>G (NM_001353949.2, NM_001353950.2, NM_001353951.2 and 2 more transcripts); c.4201-4A>G (NM_001353958.2, NM_001353957.2, NM_001165964.3); c.4285-4A>G (NM_001202435.3, NM_001353948.2); c.4249-4A>G (NM_001353955.2, NM_001353954.2); c.4198-4A>G (NM_001353960.2); c.1843-4A>G (NM_001353961.2).
Identifiers: ClinVar variation 206821 (VCV000206821.54), dbSNP rs796053007, ClinGen allele CA317441.